The following is an entry in ClinVar:

NM_002972.4(SBF1):c.4267-3C>T

Gene: SBF1 (SET binding factor 1; minus strand). Cytogenetic location: 22q13.33.
Variant type: single nucleotide variant.
Coding change: c.4267-3C>T on transcript NM_002972.4 (MANE Select); 3 bases into the intron before coding-DNA position 4267, C replaced by T.
Molecular consequence: intron variant.
Genome position (GRCh38, 1-based): chr22:50,455,585, G>A on the plus strand (C>T on the coding strand, the complement: SBF1 is on the minus strand). VCF-style: chr22-50455585-G-A. GRCh37 (hg19) VCF-style: chr22-50894014-G-A.
Other names: c.4192-3C>T (NM_001365819.1).
Identifiers: ClinVar variation 1506934 (VCV001506934.4), dbSNP rs1336015306, ClinGen allele CA640356138.

ClinVar aggregate classification (germline): Uncertain significance (1 of 4 stars; one submission).

Allele frequency attached by ClinVar (database versions not stated): TOPMed below 0.00001; gnomAD 0.00001; gnomAD exomes 0.00002.
gnomAD v4.1: 32 of 1,565,674 alleles (0.002%); highest among the groups gnomAD compares: Non-Finnish European, 0.0026%; no homozygotes.

Submission:

Labcorp Genetics (formerly Invitae), Labcorp
Classification: Uncertain significance. Last evaluated: 2021-09-14. Review status: criteria provided, single submitter. Criteria: Invitae Variant Classification Sherloc (09022015). Collection method: clinical testing. Allele origin: germline.
Comment: In summary, the available evidence is currently insufficient to determine the role of this variant in disease. Therefore, it has been classified as a Variant of Uncertain Significance. Variants that disrupt the consensus splice site are a relatively common cause of aberrant splicing (PMID: 17576681, 9536098). Algorithms developed to predict the effect of sequence changes on RNA splicing suggest that this variant may disrupt the consensus splice site. This variant has not been reported in the literature in individuals affected with SBF1-related conditions. This variant is not present in population databases (ExAC no frequency). This sequence change falls in intron 31 of the SBF1 gene. It does not directly change the encoded amino acid sequence of the SBF1 protein. It affects a nucleotide within the consensus splice site of the intron.

Literature cited by the submitters: PubMed 17576681; PubMed 9536098.